The following is an entry in ClinVar:

ClinVar aggregate classification (germline): Pathogenic (1 of 4 stars; one submission).

Conditions:
Epidermolysis bullosa simplex 3, localized or generalized intermediate, with BP230 deficiency (EBS3). Also called: Epidermolysis bullosa simplex due to BP230 deficiency; Epidermolysis bullosa simplex, autosomal recessive 2. Identifiers: Orphanet 412181, MedGen C3809470, MONDO:0014180, OMIM 615425.
Hereditary sensory and autonomic neuropathy type 6. Also called: Neuropathy, hereditary sensory and autonomic, type VI; HSAN VI. Identifiers: Orphanet 314381, MedGen C3539003, MONDO:0013839, OMIM 614653.

Submission:

Labcorp Genetics (formerly Invitae), Labcorp
Classification: Pathogenic for Epidermolysis bullosa simplex 3, localized or generalized intermediate, with BP230 deficiency; Hereditary sensory and autonomic neuropathy type 6. Last evaluated: 2019-12-11. Review status: criteria provided, single submitter. Criteria: Invitae Variant Classification Sherloc (09022015). Collection method: clinical testing. Allele origin: germline.
Comment: For these reasons, this variant has been classified as Pathogenic. Loss-of-function variants in DST are known to be pathogenic (PMID: 25059916). Algorithms developed to predict the effect of sequence changes on RNA splicing suggest that this variant may create or strengthen a splice site, but this prediction has not been confirmed by published transcriptional studies. This variant has not been reported in the literature in individuals with DST-related conditions. This variant is not present in population databases (ExAC no frequency). This sequence change creates a premature translational stop signal (p.Glu1215Glyfs*11) in the DST gene. It is expected to result in an absent or disrupted protein product.

Literature cited by the submitters: PubMed 25059916.

NM_001723.7(DST):c.3644_3648del (p.Glu1215fs)

Gene: DST (dystonin; minus strand). Cytogenetic location: 6p12.1.
Variant type: Deletion.
Coding change: c.3644_3648del on transcript NM_001723.7 (MANE Plus Clinical); coding-DNA positions 3644 to 3648, 5 bases deleted (AGCGG; older notation c.3644_3648delAGCGG).
Protein change: p.Glu1215fs; shifts the reading frame from glutamic acid 1215.
Molecular consequence: frameshift variant. On other transcripts: intron variant (10).
Genome position (GRCh38, 1-based): chr6:56,620,386-56,620,390, CCGCT deleted on the plus strand (AGCGG on the coding strand, the reverse complement: DST is on the minus strand); deleting any 5 consecutive bases within chr6:56,620,386-56,620,392 gives the same sequence; the c. name uses the placement nearest the transcript's 3' end. VCF-style (leftmost placement, unchanged base first): chr6-56620385-CCCGCT-C. GRCh37 (hg19) VCF-style: chr6-56485183-CCCGCT-C.
Other names: c.4830+4140_4830+4144del (NM_001144769.5); c.4929+4140_4929+4144del (NM_001374722.1, NM_001374736.1); c.4956+4140_4956+4144del (NM_001374734.1); c.4416+4140_4416+4144del (NM_001144770.2); c.4296+4140_4296+4144del (NM_001374730.1, NM_001386100.1, NM_183380.4 and 1 more transcripts); c.3318+4140_3318+4144del (NM_015548.5); short protein forms E1215fs.
Identifiers: ClinVar variation 861578 (VCV000861578.10), dbSNP rs2098678320, ClinGen allele CA916082844.